The following is an entry in ClinVar:

ClinVar aggregate classification (germline): Likely pathogenic (1 of 4 stars; one submission).

Conditions:
Mucopolysaccharidosis, MPS-III-B (MPS3B). Also called: N-ACETYL-ALPHA-D-GLUCOSAMINIDASE DEFICIENCY; NAGLU DEFICIENCY; SANFILIPPO SYNDROME B; MPS III B; MPS IIIB (Sanfilippo Syndrome Type B); MUCOPOLYSACCHARIDOSIS, TYPE IIIB. Identifiers: Orphanet 79270, MedGen C0086648, MONDO:0009656, OMIM 252920.
Charcot-Marie-Tooth disease axonal type 2V. Also called: CHARCOT-MARIE-TOOTH NEUROPATHY, TYPE 2V; CHARCOT-MARIE-TOOTH DISEASE, AXONAL, AUTOSOMAL DOMINANT, TYPE 2V. Identifiers: Orphanet 447964, MedGen C5569050, MONDO:0014665, OMIM 616491.

Allele frequency attached by ClinVar (database versions not stated): TOPMed 0.00002.
gnomAD v4.1: 1 of 1,614,114 alleles (0.000062%); highest among the groups gnomAD compares: Admixed American, 0.0017%; no homozygotes.

Submission:

Labcorp Genetics (formerly Invitae), Labcorp
Classification: Likely pathogenic for Charcot-Marie-Tooth disease axonal type 2V; Mucopolysaccharidosis, MPS-III-B. Last evaluated: 2025-09-08. Review status: criteria provided, single submitter. Criteria: Invitae Variant Classification Sherloc (09022015). Collection method: clinical testing. Allele origin: germline.
Comment: This sequence change replaces tyrosine, which is neutral and polar, with phenylalanine, which is neutral and non-polar, at codon 309 of the NAGLU protein (p.Tyr309Phe). This variant is not present in population databases (gnomAD no frequency). This variant has not been reported in the literature in individuals affected with NAGLU-related conditions. ClinVar contains an entry for this variant (Variation ID: 1513978). Invitae Evidence Modeling of protein sequence and biophysical properties (such as structural, functional, and spatial information, amino acid conservation, physicochemical variation, residue mobility, and thermodynamic stability) has been performed for this missense variant. However, the output from this modeling did not meet the statistical confidence thresholds required to predict the impact of this variant on NAGLU protein function. This variant disrupts the p.Tyr309 amino acid residue in NAGLU. Other variant(s) that disrupt this residue have been determined to be pathogenic (PMID: 11836372, 16151907, 25466957). This suggests that this residue is clinically significant, and that variants that disrupt this residue are likely to be disease-causing. In summary, the currently available evidence indicates that the variant is pathogenic, but additional data are needed to prove that conclusively. Therefore, this variant has been classified as Likely Pathogenic.

Literature cited by the submitters: PubMed 11836372; PubMed 16151907; PubMed 25466957.

NM_000263.4(NAGLU):c.926A>T (p.Tyr309Phe)

Gene: NAGLU (N-acetyl-alpha-glucosaminidase; plus strand). Cytogenetic location: 17q21.2.
Variant type: single nucleotide variant.
Coding change: c.926A>T on transcript NM_000263.4 (MANE Select); coding-DNA position 926, A replaced by T.
Protein change: p.Tyr309Phe; replaces tyrosine 309 with phenylalanine.
Molecular consequence: missense variant.
Genome position (GRCh38, 1-based): chr17:42,541,111, A>T. VCF-style: chr17-42541111-A-T. GRCh37 (hg19) VCF-style: chr17-40693129-A-T.
Other names: short protein forms Y309F.
Identifiers: ClinVar variation 1513978 (VCV001513978.8), dbSNP rs1305299665, ClinGen allele CA399600228.